The following is an entry in ClinVar:

NM_001734.5(C1S):c.1682A>T (p.Asp561Val)

Gene: C1S (complement C1s; plus strand). Cytogenetic location: 12p13.31.
Variant type: single nucleotide variant.
Coding change: c.1682A>T on transcript NM_001734.5 (MANE Select); coding-DNA position 1682, A replaced by T.
Protein change: p.Asp561Val; replaces aspartic acid 561 with valine.
Molecular consequence: missense variant.
Genome position (GRCh38, 1-based): chr12:7,070,266, A>T. VCF-style: chr12-7070266-A-T. GRCh37 (hg19) VCF-style: chr12-7177570-A-T.
Other names: c.1181A>T, p.Asp394Val (NM_001346850.2); c.1682A>T, p.Asp561Val (NM_201442.4); c.1682A>T (NM_201442.3); short protein forms D561V, D394V.
Identifiers: ClinVar variation 1356593 (VCV001356593.9), dbSNP rs781892037, ClinGen allele CA6423827.
Genomic context (GRCh38, chr12:7,070,266, plus strand): 5'-TGGGACCCACCGTCTCTCCCATCTGCCTACCAGGCACCTCTTCCGACTACAACCTCATGG[A>T]TGGGGACCTGGGACTGATCTCAGGCTGGGGCCGAACAGAGAAGAGAGATCGTGCTGTTCG-3'
Protein context (NP_001725.1, residues 551-571): PGTSSDYNLM[Asp561Val]GDLGLISGWG

ClinVar aggregate classification (germline): Uncertain significance. Review status: criteria provided, multiple submitters, no conflicts (2 of 4 stars). 2 submissions from 2 submitters: Uncertain significance (2). Last evaluated 2026-04-24.

Conditions:
C1S-related disorder. Also called: C1S-related condition.

Allele frequency attached by ClinVar (database versions not stated): TOPMed below 0.00001; ExAC 0.00001; gnomAD 0.00001; 1000 Genomes Project 30x 0.00016; 1000 Genomes Project 0.00020.
gnomAD v4.1: 5 of 1,614,210 alleles (0.00031%); highest among the groups gnomAD compares: East Asian, 0.0067%; no homozygotes.

Submissions (2):

PreventionGenetics, part of Exact Sciences
Classification: Uncertain significance for C1S-related condition. Last evaluated: 2026-04-24. Review status: criteria provided, single submitter. Criteria: ACMG Guidelines, 2015. Collection method: clinical testing. Allele origin: germline.
Comment: The C1S c.1682A>T variant is predicted to result in the amino acid substitution p.Asp561Val. To our knowledge, this variant has not been reported in the literature or in a large population database (gnomAD), indicating this variant is rare. At this time, the clinical significance of this variant is uncertain due to the absence of conclusive functional and genetic evidence.

Labcorp Genetics (formerly Invitae), Labcorp
Classification: Uncertain significance. Last evaluated: 2024-05-12. Review status: criteria provided, single submitter. Criteria: Invitae Variant Classification Sherloc (09022015). Collection method: clinical testing. Allele origin: germline.
Comment: This sequence change replaces aspartic acid, which is acidic and polar, with valine, which is neutral and non-polar, at codon 561 of the C1S protein (p.Asp561Val). This variant is present in population databases (rs781892037, gnomAD 0.006%). This variant has not been reported in the literature in individuals affected with C1S-related conditions. ClinVar contains an entry for this variant (Variation ID: 1356593). Advanced modeling of protein sequence and biophysical properties (such as structural, functional, and spatial information, amino acid conservation, physicochemical variation, residue mobility, and thermodynamic stability) performed at Invitae indicates that this missense variant is not expected to disrupt C1S protein function with a negative predictive value of 80%. In summary, the available evidence is currently insufficient to determine the role of this variant in disease. Therefore, it has been classified as a Variant of Uncertain Significance.